The following is an entry in ClinVar:

ClinVar aggregate classification (germline): Likely benign (1 of 4 stars; one submission).

Allele frequency attached by ClinVar (database versions not stated): gnomAD 0.00002; ESP Exome Variant Server 0.00238.
gnomAD v4.1: 9 of 1,577,606 alleles (0.00057%); highest among the groups gnomAD compares: African/African-American, 0.003%; no homozygotes.

Submission:

CeGaT Center for Human Genetics Tuebingen
Classification: Likely benign. Last evaluated: 2023-07-01. Review status: criteria provided, single submitter. Criteria: CeGaT Center For Human Genetics Tuebingen Variant Classification Criteria Version 2. Collection method: clinical testing. Allele origin: germline. Affected: yes. Observed: 1 variant allele.
Comment: CRIPAK: BP4, BP7

NM_175918.3(CRIPAK):c.1041C>G (p.Pro347=)

Genes: CRIPAK (cysteine rich PAK1 inhibitor; plus strand), UVSSA (UV stimulated scaffold protein A; plus strand), LOC126806945 (P300/CBP strongly-dependent group 1 enhancer GRCh37_chr4:1388225-1389424; plus strand). Cytogenetic location: 4p16.3.
Variant type: single nucleotide variant.
Coding change: c.1041C>G on transcript NM_175918.3; coding-DNA position 1041, C replaced by G.
Protein change: p.Pro347=; no amino-acid change (proline 347 retained).
Molecular consequence: synonymous variant.
Genome position (GRCh38, 1-based): chr4:1,395,552, C>G. VCF-style: chr4-1395552-C-G. GRCh37 (hg19) VCF-style: chr4-1389340-C-G.
Identifiers: ClinVar variation 2654576 (VCV002654576.24), dbSNP rs13137870, ClinGen allele CA2807390.